The following is an entry in ClinVar:

NM_145068.4(TRPV3):c.807A>G (p.Ala269=)

Gene: TRPV3 (transient receptor potential cation channel subfamily V member 3; minus strand). Cytogenetic location: 17p13.2.
Variant type: single nucleotide variant.
Coding change: c.807A>G on transcript NM_145068.4 (MANE Select); coding-DNA position 807, A replaced by G.
Protein change: p.Ala269=; no amino-acid change (alanine 269 retained).
Molecular consequence: synonymous variant.
Genome position (GRCh38, 1-based): chr17:3,532,915, T>C on the plus strand (A>G on the coding strand, the complement: TRPV3 is on the minus strand). VCF-style: chr17-3532915-T-C. GRCh37 (hg19) VCF-style: chr17-3436209-T-C.
Other names: c.807A>G, p.Ala269= (NM_001258205.2).
Identifiers: ClinVar variation 322785 (VCV000322785.12), dbSNP rs75487373, ClinGen allele CA8289699.
Genomic context (GRCh38, chr17:3,532,915, plus strand): 5'-GATGTCCGTCTGCTCGTGCTCCATCAGCAGCTGCACAATCTCGGGCTGGTTGGTGCATGC[T>C]GCCAGGGCCAGGGGCGTCTCACCTGGGGGATGAGCGCACTGAAGCTTGGTTCTCTCATGG-3'
Protein context (NP_659505.1, residues 259-279): FYFGETPLAL[Ala269=]ACTNQPEIVQ

ClinVar aggregate classification (germline): Benign. Review status: criteria provided, multiple submitters, no conflicts (2 of 4 stars). 4 submissions from 4 submitters: Benign (3). 1 of the submissions does not count toward it. Last evaluated 2025-11-17.

Conditions:
TRPV3-related disorder. Also called: TRPV3-related condition.
Isolated focal non-epidermolytic palmoplantar keratoderma. Also called: Palmoplantar keratoderma, nonepidermolytic, focal 2. Identifiers: Orphanet 448264, MedGen C4225339, MONDO:0014622, OMIM 616400.

Allele frequency attached by ClinVar (database versions not stated): ESP Exome Variant Server 0.00223; gnomAD 0.00413 and 0.00575; TOPMed 0.00596; gnomAD exomes 0.00675 and 0.01163; ExAC 0.01179; 1000 Genomes Project 30x 0.02155; 1000 Genomes Project 0.02336.
gnomAD v4.1: 10,834 of 1,614,142 alleles (0.67%); highest among the groups gnomAD compares: East Asian, 7.6%; 203 homozygotes.

Submissions (4):

Labcorp Genetics (formerly Invitae), Labcorp
Classification: Benign. Last evaluated: 2025-11-17. Review status: criteria provided, single submitter. Criteria: Invitae Variant Classification Sherloc (09022015). Collection method: clinical testing. Allele origin: germline.

Illumina Laboratory Services, Illumina
Classification: Benign for Isolated focal non-epidermolytic palmoplantar keratoderma. Last evaluated: 2018-01-13. Review status: criteria provided, single submitter. Criteria: ICSL Variant Classification Criteria 13 December 2019. Collection method: clinical testing. Allele origin: germline.
Comment: This variant was observed in the ICSL laboratory as part of a predisposition screen in an ostensibly healthy population. It had not been previously curated by ICSL or reported in the Human Gene Mutation Database (HGMD: prior to June 1st, 2018), and was therefore a candidate for classification through an automated scoring system. Utilizing variant allele frequency, disease prevalence and penetrance estimates, and inheritance mode, an automated score was calculated to assess if this variant is too frequent to cause the disease. Based on the score and internal cut-off values, a variant classified as benign is not then subjected to further curation. The score for this variant resulted in a classification of benign for this disease.

Breakthrough Genomics
Classification: Benign. Review status: criteria provided, single submitter. Criteria: ACMG Guidelines, 2015. Collection method: not provided. Allele origin: germline. Inheritance: Autosomal dominant inheritance. Affected: yes.

PreventionGenetics, part of Exact Sciences
Classification: Benign for TRPV3-related condition. Last evaluated: 2024-01-04. Review status: no assertion criteria provided. Collection method: clinical testing. Allele origin: germline. Not counted in ClinVar's aggregate classification.
Comment: This variant is classified as benign based on ACMG/AMP sequence variant interpretation guidelines (Richards et al. 2015 PMID: 25741868, with internal and published modifications).